The following is an entry in ClinVar:

ClinVar aggregate classification (germline): Uncertain significance (1 of 4 stars; one submission).

Conditions:
Hereditary cancer-predisposing syndrome. Also called: Hereditary neoplastic syndrome; Neoplastic Syndromes, Hereditary; Tumor predisposition; Hereditary Cancer Syndrome. Identifiers: Orphanet 140162, MedGen C0027672, MeSH D009386, MONDO:0015356.

Submission:

Ambry Genetics
Classification: Uncertain significance for Hereditary cancer-predisposing syndrome. Last evaluated: 2025-08-27. Review status: criteria provided, single submitter. Criteria: Ambry Variant Classification Scheme 2023. Collection method: clinical testing. Allele origin: germline.
Comment: The p.A117P variant (also known as c.349G>C) is located in coding exon 4 of the MUTYH gene. The alanine at codon 117 is replaced by proline, an amino acid with highly similar properties. This change occurs in the first base pair of coding exon 4. This amino acid position is conserved. In addition, this alteration is predicted to be tolerated by in silico analysis. Based on the available evidence, the clinical significance of this variant remains unclear.

NM_001048174.2(MUTYH):c.265G>C (p.Ala89Pro)

Gene: MUTYH (mutY DNA glycosylase; minus strand). Cytogenetic location: 1p34.1.
Variant type: single nucleotide variant.
Coding change: c.265G>C on transcript NM_001048174.2 (MANE Select); coding-DNA position 265, G replaced by C.
Protein change: p.Ala89Pro; replaces alanine 89 with proline.
Molecular consequence: missense variant. On other transcripts: 5 prime UTR variant (6), non-coding transcript variant (7).
Genome position (GRCh38, 1-based): chr1:45,333,324, C>G on the plus strand (G>C on the coding strand, the complement: MUTYH is on the minus strand). VCF-style: chr1-45333324-C-G. GRCh37 (hg19) VCF-style: chr1-45798996-C-G.
Other names: c.181G>C, p.Ala61Pro (NM_001407075.1); c.298G>C, p.Ala100Pro (NM_001407077.1, NM_001293191.2); c.268G>C, p.Ala90Pro (NM_001407078.1, NM_001407079.1, NM_001407071.1 and 2 more transcripts); c.265G>C, p.Ala89Pro (NM_001407080.1, NM_001407081.1, NM_001293195.2 and 6 more transcripts); c.-7G>C (NM_001407082.1, NM_001350650.2, NM_001350651.2); c.349G>C, p.Ala117Pro (NM_001128425.2); c.310G>C, p.Ala104Pro (NM_001293190.2); c.-12G>C (NM_001293192.2, NM_001293196.2, NM_001407091.1); and 3 more; short protein forms A103P, A90P, A104P, A114P, A89P, A100P, A117P, A96P.
Identifiers: ClinVar variation 4113610 (VCV004113610.1).